The following is an entry in ClinVar:

NM_001267550.2(TTN):c.99900C>T (p.Ile33300=)

Genes: TTN (titin; minus strand), TTN-AS1 (TTN antisense RNA 1; plus strand), LOC126806420 (BRD4-independent group 4 enhancer GRCh37_chr2:179401104-179402303; plus strand). Cytogenetic location: 2q31.2.
Variant type: single nucleotide variant.
Coding change: c.99900C>T on transcript NM_001267550.2 (MANE Select); coding-DNA position 99900, C replaced by T.
Protein change: p.Ile33300=; no amino-acid change (isoleucine 33300 retained).
Molecular consequence: synonymous variant.
Genome position (GRCh38, 1-based): chr2:178,537,209, G>A on the plus strand (C>T on the coding strand, the complement: TTN is on the minus strand). VCF-style: chr2-178537209-G-A. GRCh37 (hg19) VCF-style: chr2-179401936-G-A.
Other names: c.94977C>T, p.Ile31659= (NM_001256850.1); c.72705C>T, p.Ile24235= (NM_003319.4); c.92196C>T, p.Ile30732= (NM_133378.4); c.73080C>T, p.Ile24360= (NM_133432.3); c.73281C>T, p.Ile24427= (NM_133437.4).
Identifiers: ClinVar variation 736986 (VCV000736986.16), dbSNP rs747130957, ClinGen allele CA1986112.

ClinVar aggregate classification (germline): Conflicting classifications of pathogenicity. Review status: criteria provided, conflicting classifications (1 of 4 stars). 9 submissions from 5 submitters: Uncertain significance (3); Benign (2); Likely benign (4). Last evaluated 2025-09-15.

Conditions:
Dilated cardiomyopathy 1G (CMD1G). Identifiers: Orphanet 154, MedGen C1858763, MONDO:0011400, OMIM 604145.
Tibial muscular dystrophy (TMD). Also called: Tibial muscular dystrophy, tardive; Udd Distal Myopathy – Tibial Muscular Dystrophy; UDD MYOPATHY. Identifiers: Orphanet 609, MedGen C1838244, MONDO:0010870, OMIM 600334.
Autosomal recessive limb-girdle muscular dystrophy type 2J (LGMDR10). Also called: Limb-girdle muscular dystrophy, type 2J; MUSCULAR DYSTROPHY, LIMB-GIRDLE, AUTOSOMAL RECESSIVE 10. Identifiers: Orphanet 140922, MedGen C1837342, MONDO:0012127, OMIM 608807.
Myopathy, myofibrillar, 9, with early respiratory failure (MFM9). Also called: Hereditary myopathy with early respiratory failure; MYOPATHY, PROXIMAL, WITH EARLY RESPIRATORY MUSCLE INVOLVEMENT; EDSTROM MYOPATHY; Myopathy, distal, with early respiratory failure, autosomal dominant. Identifiers: Orphanet 178464, Orphanet 34521, MedGen C1863599, MONDO:0011362, OMIM 603689.
Early-onset myopathy with fatal cardiomyopathy (CMYO5). Also called: Salih Myopathy; CONGENITAL MYOPATHY 5 WITH CARDIOMYOPATHY. Identifiers: Orphanet 289377, MedGen C2673677, MONDO:0012714, OMIM 611705. Disease mechanism: loss of function.
TTN-related disorder. Also called: TTN-related disorders; TTN-related condition; TTN-related disease.
Cardiovascular phenotype. Identifiers: MedGen CN230736.

Allele frequency attached by ClinVar (database versions not stated): gnomAD 0.00001; gnomAD exomes 0.00001 and 0.00002; ExAC 0.00002; TOPMed 0.00002.
gnomAD v4.1: 15 of 1,610,268 alleles (0.00093%); highest among the groups gnomAD compares: East Asian, 0.0089%; 1 homozygote.

Submissions (9):

Labcorp Genetics (formerly Invitae), Labcorp
Classification: Likely benign for Dilated cardiomyopathy 1G; Autosomal recessive limb-girdle muscular dystrophy type 2J. Last evaluated: 2025-09-15. Review status: criteria provided, single submitter. Criteria: Invitae Variant Classification Sherloc (09022015). Collection method: clinical testing. Allele origin: germline.

PreventionGenetics, part of Exact Sciences
Classification: Likely benign for TTN-related condition. Last evaluated: 2025-07-22. Review status: criteria provided, single submitter. Criteria: ACMG Guidelines, 2015. Collection method: clinical testing. Allele origin: germline.
Comment: This variant is classified as likely benign based on ACMG/AMP sequence variant interpretation guidelines (Richards et al. 2015 PMID: 25741868, with internal and published modifications).

Women's Health and Genetics/Laboratory Corporation of America, LabCorp
Classification: Likely benign. Last evaluated: 2023-08-19. Review status: criteria provided, single submitter. Criteria: LabCorp Variant Classification Summary - May 2015. Collection method: clinical testing. Allele origin: germline.

Ambry Genetics
Classification: Likely benign for Cardiovascular phenotype. Last evaluated: 2019-05-30. Review status: criteria provided, single submitter. Criteria: Ambry Variant Classification Scheme 2023. Collection method: clinical testing. Allele origin: germline.

Illumina Laboratory Services, Illumina
Classification: Benign for Tibial muscular dystrophy. Last evaluated: 2018-01-12. Review status: criteria provided, single submitter. Criteria: ICSL Variant Classification Criteria 13 December 2019. Collection method: clinical testing. Allele origin: germline.
Comment: This variant was observed in the ICSL laboratory as part of a predisposition screen in an ostensibly healthy population. It had not been previously curated by ICSL or reported in the Human Gene Mutation Database (HGMD: prior to June 1st, 2018), and was therefore a candidate for classification through an automated scoring system. Utilizing variant allele frequency, disease prevalence and penetrance estimates, and inheritance mode, an automated score was calculated to assess if this variant is too frequent to cause the disease. Based on the score and internal cut-off values, a variant classified as benign is not then subjected to further curation. The score for this variant resulted in a classification of benign for this disease.

Illumina Laboratory Services, Illumina
Classification: Uncertain significance for Dilated cardiomyopathy 1G. Last evaluated: 2018-01-12. Review status: criteria provided, single submitter. Criteria: ICSL Variant Classification Criteria 13 December 2019. Collection method: clinical testing. Allele origin: germline.

Illumina Laboratory Services, Illumina
Classification: Uncertain significance for Early-onset myopathy with fatal cardiomyopathy. Last evaluated: 2018-01-12. Review status: criteria provided, single submitter. Criteria: ICSL Variant Classification Criteria 13 December 2019. Collection method: clinical testing. Allele origin: germline.

Illumina Laboratory Services, Illumina
Classification: Uncertain significance for Autosomal recessive limb-girdle muscular dystrophy type 2J. Last evaluated: 2018-01-12. Review status: criteria provided, single submitter. Criteria: ICSL Variant Classification Criteria 13 December 2019. Collection method: clinical testing. Allele origin: germline.

Illumina Laboratory Services, Illumina
Classification: Benign for Myopathy, myofibrillar, 9, with early respiratory failure. Last evaluated: 2018-01-12. Review status: criteria provided, single submitter. Criteria: ICSL Variant Classification Criteria 13 December 2019. Collection method: clinical testing. Allele origin: germline.
Comment: the same text as in the submission from Illumina Laboratory Services, Illumina above.